The following is an entry in ClinVar:

NM_014915.3(ANKRD26):c.2206G>C (p.Glu736Gln)

Gene: ANKRD26 (ankyrin repeat domain 26; minus strand). Cytogenetic location: 10p12.1.
Variant type: single nucleotide variant.
Coding change: c.2206G>C on transcript NM_014915.3 (MANE Select); coding-DNA position 2206, G replaced by C.
Protein change: p.Glu736Gln; replaces glutamic acid 736 with glutamine.
Molecular consequence: missense variant.
Genome position (GRCh38, 1-based): chr10:27,040,134, C>G on the plus strand (G>C on the coding strand, the complement: ANKRD26 is on the minus strand). VCF-style: chr10-27040134-C-G. GRCh37 (hg19) VCF-style: chr10-27329063-C-G.
Other names: c.2203G>C, p.Glu735Gln (NM_001256053.2); short protein forms E735Q, E736Q.
Identifiers: ClinVar variation 3611510 (VCV003611510.2).

ClinVar aggregate classification (germline): Uncertain significance (1 of 4 stars; one submission).

Submission:

Labcorp Genetics (formerly Invitae), Labcorp
Classification: Uncertain significance. Last evaluated: 2024-06-19. Review status: criteria provided, single submitter. Criteria: Invitae Variant Classification Sherloc (09022015). Collection method: clinical testing. Allele origin: germline.
Comment: This sequence change replaces glutamic acid, which is acidic and polar, with glutamine, which is neutral and polar, at codon 736 of the ANKRD26 protein (p.Glu736Gln). This variant is not present in population databases (gnomAD no frequency). This variant has not been reported in the literature in individuals affected with ANKRD26-related conditions. An algorithm developed to predict the effect of missense changes on protein structure and function (PolyPhen-2) suggests that this variant is likely to be disruptive. In summary, the available evidence is currently insufficient to determine the role of this variant in disease. Therefore, it has been classified as a Variant of Uncertain Significance.